The following is an entry in ClinVar:

NM_000038.6(APC):c.7272A>G (p.Ser2424=)

Gene: APC (APC regulator of Wnt signaling pathway; plus strand). Cytogenetic location: 5q22.2.
Variant type: single nucleotide variant.
Coding change: c.7272A>G on transcript NM_000038.6 (MANE Select); coding-DNA position 7272, A replaced by G.
Protein change: p.Ser2424=; no amino-acid change (serine 2424 retained).
Molecular consequence: synonymous variant.
Genome position (GRCh38, 1-based): chr5:112,842,866, A>G. VCF-style: chr5-112842866-A-G. GRCh37 (hg19) VCF-style: chr5-112178563-A-G.
Other names: c.7272A>G, p.Ser2424= (NM_001127510.3, NM_001354895.2); c.7218A>G, p.Ser2406= (NM_001127511.3); c.7326A>G, p.Ser2442= (NM_001354896.2); c.7302A>G, p.Ser2434= (NM_001354897.2); c.7197A>G, p.Ser2399= (NM_001354898.2); c.7188A>G, p.Ser2396= (NM_001354899.2); c.7149A>G, p.Ser2383= (NM_001354900.2); c.7095A>G, p.Ser2365= (NM_001354901.2); and 5 more.
Identifiers: ClinVar variation 512679 (VCV000512679.11), dbSNP rs1554088209, ClinGen allele CA446210231.

ClinVar aggregate classification (germline): Benign/Likely benign. Review status: criteria provided, multiple submitters, no conflicts (2 of 4 stars). 3 submissions from 3 submitters: Benign (1); Likely benign (2). Last evaluated 2024-04-09.

Conditions:
Familial adenomatous polyposis 1 (FAP1). Also called: FAMILIAL ADENOMATOUS POLYPOSIS 1, ATTENUATED; POLYPOSIS, ADENOMATOUS INTESTINAL. Identifiers: MedGen C2713442, MONDO:0021056, OMIM 175100. Disease mechanism: loss of function.

Submissions (3):

Myriad Genetics, Inc.
Classification: Benign for Familial adenomatous polyposis 1. Last evaluated: 2024-04-09. Review status: criteria provided, single submitter. Criteria: Myriad Autosomal Dominant, Autosomal Recessive and X-Linked Classification Criteria (2023). Collection method: clinical testing. Allele origin: unknown.
Comment: This variant is considered benign. This variant is a silent/synonymous amino acid change and it is not expected to impact splicing.

Labcorp Genetics (formerly Invitae), Labcorp
Classification: Likely benign for Familial adenomatous polyposis 1. Last evaluated: 2017-10-31. Review status: criteria provided, single submitter. Criteria: Invitae Variant Classification Sherloc (09022015). Collection method: clinical testing. Allele origin: germline.

GeneDx
Classification: Likely benign. Last evaluated: 2017-10-10. Review status: criteria provided, single submitter. Criteria: GeneDx Variant Classification (06012015). Collection method: clinical testing. Allele origin: germline. Affected: yes.
Comment: This variant is considered likely benign or benign based on one or more of the following criteria: it is a conservative change, it occurs at a poorly conserved position in the protein, it is predicted to be benign by multiple in silico algorithms, and/or has population frequency not consistent with disease.